The following is an entry in ClinVar:

NM_020884.7(MYH7B):c.3301_3304dup (p.Glu1102fs)

Gene: MYH7B (myosin heavy chain 7B; plus strand). Cytogenetic location: 20q11.22.
Variant type: Duplication.
Coding change: c.3301_3304dup on transcript NM_020884.7 (MANE Select); coding-DNA positions 3301 to 3304, 4 bases duplicated (GTGG; older notation c.3301_3304dupGTGG).
Protein change: p.Glu1102fs; shifts the reading frame from glutamic acid 1102.
Molecular consequence: frameshift variant.
Genome position (GRCh38, 1-based): chr20:34,997,117-34,997,120, GTGG duplicated; duplicating any 4 consecutive bases within chr20:34,997,115-34,997,120 gives the same sequence; the c. name uses the placement nearest the transcript's 3' end. VCF-style (leftmost placement, unchanged base first): chr20-34997114-C-CGGGT. GRCh37 (hg19) VCF-style: chr20-33584917-C-CGGGT.
Other names: short protein forms E1102fs.
Identifiers: ClinVar variation 3714950 (VCV003714950.2).

ClinVar aggregate classification (germline): Uncertain significance (1 of 4 stars; one submission).

Submission:

Labcorp Genetics (formerly Invitae), Labcorp
Classification: Uncertain significance. Last evaluated: 2024-04-15. Review status: criteria provided, single submitter. Criteria: Invitae Variant Classification Sherloc (09022015). Collection method: clinical testing. Allele origin: germline.
Comment: This sequence change creates a premature translational stop signal (p.Glu1144Glyfs*130) in the MYH7B gene. It is expected to result in an absent or disrupted protein product. However, the current clinical and genetic evidence is not sufficient to establish whether loss-of-function variants in MYH7B cause disease. This variant is not present in population databases (gnomAD no frequency). This variant has not been reported in the literature in individuals affected with MYH7B-related conditions. In summary, the available evidence is currently insufficient to determine the role of this variant in disease. Therefore, it has been classified as a Variant of Uncertain Significance.